The following is an entry in ClinVar:

NM_201253.3(CRB1):c.1027T>C (p.Cys343Arg)

Gene: CRB1 (crumbs cell polarity complex component 1; plus strand). Cytogenetic location: 1q31.3.
Variant type: single nucleotide variant.
Coding change: c.1027T>C on transcript NM_201253.3 (MANE Select); coding-DNA position 1027, T replaced by C.
Protein change: p.Cys343Arg; replaces cysteine 343 with arginine.
Molecular consequence: missense variant. On other transcripts: non-coding transcript variant (2).
Genome position (GRCh38, 1-based): chr1:197,356,869, T>C. VCF-style: chr1-197356869-T-C. GRCh37 (hg19) VCF-style: chr1-197325999-T-C.
Other names: c.691T>C, p.Cys231Arg (NM_001193640.2); c.820T>C, p.Cys274Arg (NM_001257965.2); c.1027T>C, p.Cys343Arg (NM_001257966.2); short protein forms C231R, C274R, C343R.
Identifiers: ClinVar variation 1065763 (VCV001065763.1), dbSNP rs2125354340, ClinGen allele CA344084382.

ClinVar aggregate classification (germline): Uncertain significance (1 of 4 stars; one submission).

Conditions:
Retinitis pigmentosa 12 (RP12). Also called: RP WITH OR WITHOUT PPRPE; RP WITH OR WITHOUT PRESERVED PARAARTERIOLE RETINAL PIGMENT EPITHELIUM; RETINITIS PIGMENTOSA WITH OR WITHOUT PARAARTERIOLAR PRESERVATION OF RETINAL PIGMENT EPITHELIUM. Identifiers: Orphanet 791, MedGen C1838647, MONDO:0010818, OMIM 600105.

Submission:

Ocular Genomics Institute, Massachusetts Eye and Ear
Classification: Uncertain significance for Retinitis pigmentosa 12. Last evaluated: 2021-04-08. Review status: criteria provided, single submitter. Criteria: ACMG Guidelines, 2015. Collection method: research. Allele origin: germline. Affected: yes.
Comment: Through a review of available evidence we were able to apply the following criteria: PM2. Based on this evidence we have classified this variant as Variant of Uncertain Significance.